The following is an entry in ClinVar:

ClinVar aggregate classification (germline): Likely pathogenic (1 of 4 stars; one submission).

Conditions:
Glycogen storage disease type III (GSD3). Also called: Cori disease; FORBES DISEASE. Identifiers: Orphanet 366, MedGen C0017922, MONDO:0009291, OMIM 232400.

Submission:

Myriad Genetics, Inc.
Classification: Likely pathogenic for Glycogen storage disease type III. Last evaluated: 2026-03-26. Review status: criteria provided, single submitter. Criteria: Myriad Autosomal Dominant, Autosomal Recessive and X-Linked Classification Criteria (2023). Collection method: clinical testing. Allele origin: unknown.
Comment: NM_000642.2(AGL):c.4482-2A>G is a variant in a canonical splice site classified as likely pathogenic in the context of glycogen storage disease type III. c.4482-2A>G has not been observed in cases with relevant disease. Relevant functional assessments of this variant are not available in the literature. c.4482-2A>G has not been observed in referenced population frequency databases. In summary, NM_000642.2(AGL):c.4482-2A>G is a variant in a canonical splice site in a gene where loss of function is a known mechanism of disease and is predicted to disrupt protein function. Please note: this variant was assessed in the context of healthy population screening.

NM_000642.3(AGL):c.4482-2A>G

Gene: AGL (amylo-alpha-1,6-glucosidase and 4-alpha-glucanotransferase; plus strand). Cytogenetic location: 1p21.2.
Variant type: single nucleotide variant.
Coding change: c.4482-2A>G on transcript NM_000642.3 (MANE Select); the canonical splice acceptor site of the intron before coding-DNA position 4482, A replaced by G.
Molecular consequence: splice acceptor variant.
Genome position (GRCh38, 1-based): chr1:99,921,532, A>G. VCF-style: chr1-99921532-A-G. GRCh37 (hg19) VCF-style: chr1-100387088-A-G.
Other names: c.4482-2A>G (NM_000643.3, NM_000644.3, NM_001425325.1 and 1 more transcripts); c.4434-2A>G (NM_000646.3); c.4461-2A>G (NM_001425326.1); c.4281-2A>G (NM_001425327.1); c.4278-2A>G (NM_001425328.1); c.4143-2A>G (NM_001425329.1); c.4104-2A>G (NM_001425332.1).
Identifiers: ClinVar variation 5003671 (VCV005003671.1).